The following is an entry in ClinVar:

ClinVar aggregate classification (germline): Pathogenic. Review status: criteria provided, multiple submitters, no conflicts (2 of 4 stars). 3 submissions from 3 submitters: Pathogenic (2). 1 of the submissions does not count toward it. Last evaluated 2024-11-27.

Conditions:
Iodotyrosyl coupling defect (TDH3). Also called: THYROID HORMONOGENESIS, GENETIC DEFECT IN, 3; HYPOTHYROIDISM, CONGENITAL, DUE TO DYSHORMONOGENESIS, 3. Identifiers: Orphanet 95716, MedGen C0342194, MONDO:0010135, OMIM 274700.
TG-related disorder. Also called: TG-related condition; TG-related disorders.

Allele frequency attached by ClinVar (database versions not stated): gnomAD exomes below 0.00001 and 0.00002; TOPMed below 0.00001; ExAC 0.00001; gnomAD 0.00001; ESP Exome Variant Server 0.00008.

Submissions (3):

Women's Health and Genetics/Laboratory Corporation of America, LabCorp
Classification: Pathogenic for TG-Related Disorders. Last evaluated: 2024-11-27. Review status: criteria provided, single submitter. Criteria: LabCorp Variant Classification Summary - May 2015. Collection method: clinical testing. Allele origin: germline.
Comment: Variant summary: TG c.1143delC (p.Tyr382ThrfsX20) results in a premature termination codon, predicted to cause a truncation of the encoded protein or absence of the protein due to nonsense mediated decay, which are commonly known mechanisms for disease. The variant allele was found at a frequency of 4e-06 in 251410 control chromosomes (gnomAD). c.1143delC has been reported in the literature in individuals affected with TG-Related Disorders (e.g. Caron_2003). To our knowledge, no experimental evidence demonstrating an impact on protein function has been reported. The following publication have been ascertained in the context of this evaluation (PMID: 12915634). ClinVar contains an entry for this variant (Variation ID: 12699). Based on the evidence outlined above, the variant was classified as pathogenic.

Labcorp Genetics (formerly Invitae), Labcorp
Classification: Pathogenic. Last evaluated: 2023-07-03. Review status: criteria provided, single submitter. Criteria: Invitae Variant Classification Sherloc (09022015). Collection method: clinical testing. Allele origin: germline.
Comment: For these reasons, this variant has been classified as Pathogenic. ClinVar contains an entry for this variant (Variation ID: 12699). This premature translational stop signal has been observed in individual(s) with TG-related conditions (PMID: 12915634). This variant is present in population databases (rs778849740, gnomAD 0.002%). This sequence change creates a premature translational stop signal (p.Tyr382Thrfs*20) in the TG gene. It is expected to result in an absent or disrupted protein product. Loss-of-function variants in TG are known to be pathogenic (PMID: 19837936, 23164529).

OMIM
Classification: Pathogenic for THYROID DYSHORMONOGENESIS 3. Last evaluated: 2003-08-01. Review status: no assertion criteria provided. Collection method: literature only. Allele origin: germline. Not counted in ClinVar's aggregate classification.

Literature cited by the submitters: PubMed 12915634 (cited by 3 submitters); PubMed 19837936 (cited by Labcorp Genetics (formerly Invitae), Labcorp); PubMed 23164529 (cited by Labcorp Genetics (formerly Invitae), Labcorp).

NM_003235.5(TG):c.1143del (p.Tyr382fs)

Gene: TG (thyroglobulin; plus strand). Cytogenetic location: 8q24.22.
Variant type: Deletion.
Coding change: c.1143del on transcript NM_003235.5 (MANE Select); coding-DNA position 1143, one base deleted (C; older notation c.1143delC).
Protein change: p.Tyr382fs; shifts the reading frame from tyrosine 382.
Molecular consequence: frameshift variant.
Genome position (GRCh38, 1-based): chr8:132,886,515, C deleted. VCF-style (leftmost placement, unchanged base first): chr8-132886514-GC-G. GRCh37 (hg19) VCF-style: chr8-133898759-GC-G.
Other names: c.1143delC (NM_003235.5); short protein forms Y382fs.
Identifiers: ClinVar variation 12699 (VCV000012699.6), dbSNP rs778849740, ClinGen allele CA4883131.
Genomic context (GRCh38, chr8:132,886,514, plus strand): 5'-GCCAATCTTGTGCCTCCGAAAGGCAGCAGGCCTTGTCCAGACTCTACTTTGGGACCTCAG[GC>G]TACTTCAGCCAGCACGACCTGTTCTCTTCCCCAGAGAAAAGATGGGCCTCTCCAAGAGTA-3'